The following is an entry in ClinVar:

NM_001164508.2(NEB):c.6681del (p.Asn2228fs)

Gene: NEB (nebulin; minus strand). Cytogenetic location: 2q23.3.
Variant type: Deletion.
Coding change: c.6681del on transcript NM_001164508.2 (MANE Select); coding-DNA position 6681, one base deleted (G; older notation c.6681delG).
Protein change: p.Asn2228fs; shifts the reading frame from asparagine 2228.
Molecular consequence: frameshift variant.
Genome position (GRCh38, 1-based): chr2:151,655,838, C deleted on the plus strand (G on the coding strand, the reverse complement: NEB is on the minus strand). VCF-style (leftmost placement, unchanged base first): chr2-151655837-TC-T. GRCh37 (hg19) VCF-style: chr2-152512351-TC-T.
Other names: c.6681del, p.Asn2228fs (NM_001164507.2, NM_001271208.2, NM_004543.5); short protein forms N2228fs.
Identifiers: ClinVar variation 5014545 (VCV005014545.1).
Genomic context (GRCh38, chr2:151,655,837, plus strand): 5'-CTCACGTGGGAGCTGTGTGGACGGCCACTGTTCTCTGTACCTTGTTCATGGTATGTGCAT[TC>T]TGCTTGGCAAGCACCATGTCCATGGAATCAGTCAGCTTCTTAAACTGGAAGTTGCTCGGG-3'

ClinVar aggregate classification (germline): Pathogenic (1 of 4 stars; one submission).

Conditions:
Nemaline myopathy 2 (NEM2). Also called: Nemaline myopathy 2, autosomal recessive. Identifiers: MedGen C1850569, MONDO:0009725, OMIM 256030.

Submission:

Myriad Genetics, Inc.
Classification: Pathogenic for Nemaline myopathy 2. Last evaluated: 2025-05-31. Review status: criteria provided, single submitter. Criteria: Myriad Autosomal Dominant, Autosomal Recessive and X-Linked Classification Criteria (2023). Collection method: clinical testing. Allele origin: unknown.
Comment: NM_001271208.1(NEB):c.6681delG(N2228Mfs*5) is expected to be pathogenic in the context of NEB-related nemaline myopathy. This variant is predicted to lead to an abnormal or absent protein product due to the creation of a premature termination codon in NEB, a gene where loss-of-function variants are known to be pathogenic. Please note: this variant was assessed in the context of healthy population screening.